The following is an entry in ClinVar:

ClinVar aggregate classification (germline): Benign. Review status: criteria provided, multiple submitters, no conflicts (2 of 4 stars). 2 submissions from 2 submitters: Benign (2). Last evaluated 2018-06-14.

Allele frequency attached by ClinVar (database versions not stated): gnomAD 0.99999; TOPMed 0.99999; 1000 Genomes Project 1.00000; 1000 Genomes Project 30x 1.00000.
gnomAD v4.1: 152,325 of 152,326 alleles (100%); highest among the groups gnomAD compares: Non-Finnish European, 100%; 76,162 homozygotes.

Submissions (2):

GeneDx
Classification: Benign. Last evaluated: 2018-06-14. Review status: criteria provided, single submitter. Criteria: GeneDx Variant Classification (06012015). Collection method: clinical testing. Allele origin: germline. Affected: yes.
Comment: This variant is considered likely benign or benign based on one or more of the following criteria: it is a conservative change, it occurs at a poorly conserved position in the protein, it is predicted to be benign by multiple in silico algorithms, and/or has population frequency not consistent with disease.

Breakthrough Genomics
Classification: Benign. Review status: criteria provided, single submitter. Criteria: ACMG Guidelines, 2015. Collection method: not provided. Allele origin: germline. Inheritance: Autosomal recessive inheritance. Affected: yes.

NM_001013703.4(EIF2AK4):c.2922+155C>T

Gene: EIF2AK4 (eukaryotic translation initiation factor 2 alpha kinase 4; plus strand). Cytogenetic location: 15q15.1.
Variant type: single nucleotide variant.
Coding change: c.2922+155C>T on transcript NM_001013703.4 (MANE Select); 155 bases into the intron after coding-DNA position 2922, C replaced by T.
Molecular consequence: intron variant.
Genome position (GRCh38, 1-based): chr15:39,998,939, C>T. VCF-style: chr15-39998939-C-T. GRCh37 (hg19) VCF-style: chr15-40291140-C-T.
Identifiers: ClinVar variation 674670 (VCV000674670.2), dbSNP rs2412457, ClinGen allele CA268759497.
Genomic context (GRCh38, chr15:39,998,939, plus strand): 5'-CTCTTGTGTCCTGGGAACAACGTGGGGAAAAAATATGAAAAGATGAAGCACTTAAAATGT[C>T]ATTAGACTTGAACTACACCATAAAAATGCCAAGGGCTGGCACAGAAAATTAACAAACTGC-3'